The following is an entry in ClinVar:

ClinVar aggregate classification (germline): Pathogenic (1 of 4 stars; one submission).

Conditions:
Hereditary cancer-predisposing syndrome. Also called: Hereditary Cancer Syndrome; Neoplastic Syndromes, Hereditary; Tumor predisposition; Hereditary neoplastic syndrome. Identifiers: Orphanet 140162, MedGen C0027672, MeSH D009386, MONDO:0015356.

Submission:

Ambry Genetics
Classification: Pathogenic for Hereditary cancer-predisposing syndrome. Last evaluated: 2021-06-08. Review status: criteria provided, single submitter. Criteria: Ambry Variant Classification Scheme 2023. Collection method: clinical testing. Allele origin: germline.
Comment: The c.5122_5123delGT pathogenic mutation, located in coding exon 15 of the APC gene, results from a deletion of two nucleotides at nucleotide positions 5122 to 5123, causing a translational frameshift with a predicted alternate stop codon (p.V1708Nfs*4). This alteration occurs at the 3' terminus of theAPC gene, is not expected to trigger nonsense-mediated mRNA decay, and impacts the last 1136 amino acids of the protein. However, premature stop codons are typically deleterious in nature and the impacted region is critical for protein function (Ambry internal data). This variant is considered to be rare based on population cohorts in the Genome Aggregation Database (gnomAD). Based on the supporting evidence, this alteration is interpreted as a disease-causing mutation.

NM_000038.6(APC):c.5122_5123del (p.Val1708fs)

Gene: APC (APC regulator of Wnt signaling pathway; plus strand). Cytogenetic location: 5q22.2.
Variant type: Deletion.
Coding change: c.5122_5123del on transcript NM_000038.6 (MANE Select); coding-DNA positions 5122 to 5123, 2 bases deleted (GT; older notation c.5122_5123delGT).
Protein change: p.Val1708fs; shifts the reading frame from valine 1708.
Molecular consequence: frameshift variant.
Genome position (GRCh38, 1-based): chr5:112,840,716-112,840,717, GT deleted; deleting any 2 consecutive bases within chr5:112,840,715-112,840,717 gives the same sequence; the c. name uses the placement nearest the transcript's 3' end. VCF-style (leftmost placement, unchanged base first): chr5-112840714-CTG-C. GRCh37 (hg19) VCF-style: chr5-112176411-CTG-C.
Other names: c.5122_5123del, p.Val1708fs (NM_001127510.3, NM_001354895.2); c.5068_5069del, p.Val1690fs (NM_001127511.3); c.5176_5177del, p.Val1726fs (NM_001354896.2); c.5152_5153del, p.Val1718fs (NM_001354897.2); c.5047_5048del, p.Val1683fs (NM_001354898.2); c.5038_5039del, p.Val1680fs (NM_001354899.2); c.4999_5000del, p.Val1667fs (NM_001354900.2); c.4945_4946del, p.Val1649fs (NM_001354901.2); and 16 more; short protein forms V1425fs, V1582fs, V1667fs, V1708fs, V1718fs, V1649fs, V1683fs, V1690fs.
Identifiers: ClinVar variation 1745487 (VCV001745487.2), dbSNP rs2533622429, ClinGen allele CA2580072615.
Genomic context (GRCh38, chr5:112,840,714, plus strand): 5'-GAGATACCATTCCTACAGAAGGCAGAAGTACAGATGAGGCTCAAGGAGGAAAAACCTCAT[CTG>C]TAACCATACCTGAATTGGATGACAATAAAGCAGAGGAAGGTGATATTCTTGCAGAATGCA-3'